The following is an entry in ClinVar:

NM_000140.5(FECH):c.843del (p.Ser281fs)

Gene: FECH (ferrochelatase; minus strand). Cytogenetic location: 18q21.31.
Variant type: Deletion.
Coding change: c.843del on transcript NM_000140.5 (MANE Select); coding-DNA position 843, one base deleted (C; older notation c.843delC).
Protein change: p.Ser281fs; shifts the reading frame from serine 281.
Molecular consequence: frameshift variant.
Genome position (GRCh38, 1-based): chr18:57,554,914, G deleted on the plus strand (C on the coding strand, the reverse complement: FECH is on the minus strand). VCF-style (leftmost placement, unchanged base first): chr18-57554913-CG-C. GRCh37 (hg19) VCF-style: chr18-55222145-CG-C.
Other names: c.861del, p.Ser287fs (NM_001012515.4); c.744del, p.Ser248fs (NM_001371094.1); c.627del, p.Ser209fs (NM_001371095.1); c.843del, p.Ser281fs (NM_001374778.1); short protein forms S248fs, S287fs, S209fs, S281fs.
Identifiers: ClinVar variation 1402376 (VCV001402376.6), dbSNP rs2122250926, ClinGen allele CA2573155443.

ClinVar aggregate classification (germline): Pathogenic (1 of 4 stars; one submission).

Allele frequency attached by ClinVar (database versions not stated): gnomAD exomes below 0.00001.

Submission:

Labcorp Genetics (formerly Invitae), Labcorp
Classification: Pathogenic. Last evaluated: 2024-03-05. Review status: criteria provided, single submitter. Criteria: Invitae Variant Classification Sherloc (09022015). Collection method: clinical testing. Allele origin: germline.
Comment: This sequence change creates a premature translational stop signal (p.Ser281Argfs*55) in the FECH gene. It is expected to result in an absent or disrupted protein product. Loss-of-function variants in FECH are known to be pathogenic (PMID: 20105171, 23016163, 23364466). This variant is not present in population databases (gnomAD no frequency). This premature translational stop signal has been observed in individual(s) with erythropoietic protoporphyria (PMID: 9740232). ClinVar contains an entry for this variant (Variation ID: 1402376). For these reasons, this variant has been classified as Pathogenic.

Literature cited by the submitters: PubMed 20105171; PubMed 23016163; PubMed 23364466; PubMed 9740232.